The following is an entry in ClinVar:

ClinVar aggregate classification (germline): Conflicting classifications of pathogenicity. Review status: criteria provided, conflicting classifications (1 of 4 stars). 10 submissions from 10 submitters: Uncertain significance (4); Likely benign (5). 1 of the submissions does not count toward it. Last evaluated 2026-08-04.

Conditions:
Holoprosencephaly 7 (HPE7). Identifiers: Orphanet 2162, MedGen C1835820, MONDO:0012562, OMIM 610828.
Basal cell nevus syndrome 1 (BCNS1). Also called: GORLIN-GOLTZ SYNDROME; MULTIPLE BASAL CELL NEVI, ODONTOGENIC KERATOCYSTS, AND SKELETAL ANOMALIES. Identifiers: MedGen CN376810, MONDO:0958174, OMIM 109400.
Basal cell carcinoma, susceptibility to, 1. Also called: BCC1. Identifiers: MedGen C2751544, MONDO:0011556, OMIM 605462.
Hereditary cancer-predisposing syndrome. Also called: Neoplastic Syndromes, Hereditary; Tumor predisposition; Hereditary Cancer Syndrome; Hereditary neoplastic syndrome. Identifiers: Orphanet 140162, MedGen C0027672, MeSH D009386, MONDO:0015356.
Gorlin syndrome. Also called: Nevoid Basal Cell Carcinoma Syndrome; Basal cell nevus syndrome. Identifiers: Orphanet 377, MedGen C0004779, MONDO:0007187.
Ovarian cancer. Also called: OVARIAN CANCER, SOMATIC. Identifiers: Orphanet 213500, MedGen C1140680, MONDO:0008170, OMIM 167000.
PTCH1-related disorder. Also called: PTCH1-related disorders; PTCH1-related condition.

Allele frequency attached by ClinVar (database versions not stated): gnomAD exomes 0.00010; ExAC 0.00011; gnomAD 0.00011 and 0.00012; TOPMed 0.00012.
gnomAD v4.1: 174 of 1,614,068 alleles (0.011%); highest among the groups gnomAD compares: Non-Finnish European, 0.012%; no homozygotes.

Submissions (10):

GeneDx
Classification: Uncertain significance. Last evaluated: 2026-08-04. Review status: criteria provided, single submitter. Criteria: GeneDx Variant Classification Process June 2021. Collection method: clinical testing. Allele origin: germline.
Comment: In silico analysis supports that this missense variant has a deleterious effect on protein structure/function; Has not been previously published as pathogenic or benign to our knowledge; This variant is associated with the following publications: (PMID: 8906794)

Labcorp Genetics (formerly Invitae), Labcorp
Classification: Likely benign for Gorlin syndrome. Last evaluated: 2026-01-28. Review status: criteria provided, single submitter. Criteria: Invitae Variant Classification Sherloc (09022015). Collection method: clinical testing. Allele origin: germline.

Center for Genomic Medicine, Rigshospitalet, Copenhagen University Hospital
Classification: Uncertain significance. Last evaluated: 2025-12-29. Review status: criteria provided, single submitter. Criteria: ACMG Guidelines, 2015. Collection method: clinical testing. Allele origin: germline.

PreventionGenetics, part of Exact Sciences
Classification: Likely benign for PTCH1-related condition. Last evaluated: 2025-10-17. Review status: criteria provided, single submitter. Criteria: ACMG Guidelines, 2015. Collection method: clinical testing. Allele origin: germline.
Comment: This variant is classified as likely benign based on ACMG/AMP sequence variant interpretation guidelines (Richards et al. 2015 PMID: 25741868, with internal and published modifications).

Quest Diagnostics Nichols Institute San Juan Capistrano
Classification: Likely benign. Last evaluated: 2025-09-15. Review status: criteria provided, single submitter. Criteria: Quest Diagnostics criteria. Collection method: clinical testing. Allele origin: unknown.

Department of Pathology and Laboratory Medicine, Sinai Health System
Classification: Uncertain significance for Basal cell nevus syndrome 1; Basal cell carcinoma, susceptibility to, 1; Holoprosencephaly 7. Last evaluated: 2023-02-23. Review status: criteria provided, single submitter. Criteria: ACMG Guidelines, 2015. Collection method: clinical testing. Allele origin: germline. Affected: yes.

Sema4
Classification: Likely benign for Hereditary cancer-predisposing syndrome. Last evaluated: 2021-06-25. Review status: criteria provided, single submitter. Criteria: Sema4 Curation Guidelines. Collection method: curation. Allele origin: germline.

Ambry Genetics
Classification: Likely benign for Hereditary cancer-predisposing syndrome. Last evaluated: 2019-05-22. Review status: criteria provided, single submitter. Criteria: Ambry Variant Classification Scheme 2023. Collection method: clinical testing. Allele origin: germline.

Fulgent Genetics
Classification: Uncertain significance for Basal cell nevus syndrome 1; Basal cell carcinoma, susceptibility to, 1; Holoprosencephaly 7. Last evaluated: 2018-10-31. Review status: criteria provided, single submitter. Criteria: ACMG Guidelines, 2015. Collection method: clinical testing. Allele origin: unknown.

Laboratory of Molecular Epidemiology of Birth Defects, West China Second University Hospital, Sichuan University
Classification: Likely pathogenic for Ovarian cancer. Last evaluated: 2022-01-01. Review status: flagged submission. Criteria: ACMG Guidelines, 2015. Collection method: clinical testing. Allele origin: germline. Affected: yes. Not counted in ClinVar's aggregate classification.
ClinVar note: Reason: Outlier claim with insufficient supporting evidence

Literature cited by the submitters: PubMed 29205322 (cited by Sema4); PubMed 31645765 (cited by Sema4).

NM_000264.5(PTCH1):c.2671G>A (p.Gly891Ser)

Gene: PTCH1 (patched 1; minus strand). Cytogenetic location: 9q22.32.
Variant type: single nucleotide variant.
Coding change: c.2671G>A on transcript NM_000264.5 (MANE Select); coding-DNA position 2671, G replaced by A.
Protein change: p.Gly891Ser; replaces glycine 891 with serine.
Molecular consequence: missense variant. On other transcripts: non-coding transcript variant (1).
Genome position (GRCh38, 1-based): chr9:95,461,888, C>T on the plus strand (G>A on the coding strand, the complement: PTCH1 is on the minus strand). VCF-style: chr9-95461888-C-T. GRCh37 (hg19) VCF-style: chr9-98224170-C-T.
Other names: c.2473G>A, p.Gly825Ser (NM_001083602.3); c.2668G>A, p.Gly890Ser (NM_001083603.3); c.2218G>A, p.Gly740Ser (NM_001083604.3, NM_001083605.3, NM_001083606.3 and 1 more transcripts); c.2515G>A, p.Gly839Ser (NM_001354918.2); short protein forms G825S, G891S, G839S, G740S, G890S.
Identifiers: ClinVar variation 220717 (VCV000220717.27), dbSNP rs570091335, ClinGen allele CA349905.
Genomic context (GRCh38, chr9:95,461,888, plus strand): 5'-CGCCCTCAGTGCCCAGCAGCTGGAGTACCTGGCTGATGTCGATGGGCTTATCGCGGCTGC[C>T]GGTTTGCACCAGGAGTTTGTAGGCAAGGACTCCATCGTCTGATCCATTCTTGTAATTGTT-3'
Protein context (NP_000255.2, residues 881-901): VLAYKLLVQT[Gly891Ser]SRDKPIDISQ